The following is an entry in ClinVar:

NM_020549.5(CHAT):c.1125G>A (p.Arg375=)

Gene: CHAT (choline O-acetyltransferase; plus strand). Cytogenetic location: 10q11.23.
Variant type: single nucleotide variant.
Coding change: c.1125G>A on transcript NM_020549.5 (MANE Select); coding-DNA position 1125, G replaced by A.
Protein change: p.Arg375=; no amino-acid change (arginine 375 retained).
Molecular consequence: synonymous variant.
Genome position (GRCh38, 1-based): chr10:49,646,518, G>A. VCF-style: chr10-49646518-G-A. GRCh37 (hg19) VCF-style: chr10-50854564-G-A.
Other names: p.Arg375=; c.1125G>A (NM_020549.4); c.771G>A, p.Arg257= (NM_001142929.2, NM_001142934.2, NM_020984.4 and 2 more transcripts); c.879G>A, p.Arg293= (NM_001142933.2).
Identifiers: ClinVar variation 2200939 (VCV002200939.5), dbSNP rs2538855042, ClinGen allele CA469605275.
Genomic context (GRCh38, chr10:49,646,518, plus strand): 5'-GGCCTGGAGCGGGACAGGTGCTAGGGCTGTGCCTGCCTCCCCTGCAGACTCCACCAACCG[G>A]GACTCGCTGGACATGATTGAGCGCTGCATCTGCCTTGTATGCCTGGACGCGCCAGGAGGC-3'
Protein context (NP_065574.4, residues 365-385): RTVLVKDSTN[Arg375=]DSLDMIERCI

ClinVar aggregate classification (germline): Likely benign. Review status: criteria provided, multiple submitters, no conflicts (2 of 4 stars). 2 submissions from 2 submitters: Likely benign (2). Last evaluated 2025-07-02.

Conditions:
Familial infantile myasthenia (CMS6). Also called: Congenital myasthenic syndrome type 6; MYASTHENIC SYNDROME, CONGENITAL, 6, PRESYNAPTIC; MYASTHENIC SYNDROME, PRESYNAPTIC, CONGENITAL, ASSOCIATED WITH EPISODIC APNEA. Identifiers: Orphanet 590, MedGen C0393929, MONDO:0009689, OMIM 254210.

Submissions (2):

Mayo Clinic Laboratories, Mayo Clinic
Classification: Likely benign. Last evaluated: 2025-07-02. Review status: criteria provided, single submitter. Criteria: ACMG Guidelines, 2015. Collection method: clinical testing. Allele origin: germline. Observed: 1 variant allele.
Comment: BP4, BP7

Labcorp Genetics (formerly Invitae), Labcorp
Classification: Likely benign for Familial infantile myasthenia. Last evaluated: 2023-03-04. Review status: criteria provided, single submitter. Criteria: Invitae Variant Classification Sherloc (09022015). Collection method: clinical testing. Allele origin: germline.